The following is an entry in ClinVar:

ClinVar aggregate classification (germline): Uncertain significance (1 of 4 stars; one submission).

Conditions:
Idiopathic generalized epilepsy. Also called: EIG; Generalised epilepsy. Identifiers: MedGen C0270850, MONDO:0005579, OMIM 600669.

Allele frequency attached by ClinVar (database versions not stated): gnomAD exomes 0.00005.
gnomAD v4.1: 65 of 1,386,992 alleles (0.0047%); highest among the groups gnomAD compares: Non-Finnish European, 0.0063%; no homozygotes.

Submission:

Labcorp Genetics (formerly Invitae), Labcorp
Classification: Uncertain significance for Idiopathic generalized epilepsy. Last evaluated: 2024-01-24. Review status: criteria provided, single submitter. Criteria: Invitae Variant Classification Sherloc (09022015). Collection method: clinical testing. Allele origin: germline.
Comment: This sequence change replaces tyrosine, which is neutral and polar, with cysteine, which is neutral and slightly polar, at codon 206 of the RBFOX3 protein (p.Tyr206Cys). This variant is present in population databases (no rsID available, gnomAD 0.002%). This variant has not been reported in the literature in individuals affected with RBFOX3-related conditions. Advanced modeling of protein sequence and biophysical properties (such as structural, functional, and spatial information, amino acid conservation, physicochemical variation, residue mobility, and thermodynamic stability) has been performed at Invitae for this missense variant, however the output from this modeling did not meet the statistical confidence thresholds required to predict the impact of this variant on RBFOX3 protein function. In summary, the available evidence is currently insufficient to determine the role of this variant in disease. Therefore, it has been classified as a Variant of Uncertain Significance.

NM_001350451.2(RBFOX3):c.617A>G (p.Tyr206Cys)

Gene: RBFOX3 (RNA binding fox-1 homolog 3; minus strand). Cytogenetic location: 17q25.3.
Variant type: single nucleotide variant.
Coding change: c.617A>G on transcript NM_001350451.2 (MANE Select); coding-DNA position 617, A replaced by G.
Protein change: p.Tyr206Cys; replaces tyrosine 206 with cysteine.
Molecular consequence: missense variant.
Genome position (GRCh38, 1-based): chr17:79,097,697, T>C on the plus strand (A>G on the coding strand, the complement: RBFOX3 is on the minus strand). VCF-style: chr17-79097697-T-C. GRCh37 (hg19) VCF-style: chr17-77093779-T-C.
Other names: c.617A>G, p.Tyr206Cys (NM_001385811.1, NM_001385812.1, NM_001385813.1 and 33 more transcripts); c.614A>G, p.Tyr205Cys (NM_001385806.1, NM_001385822.1, NM_001385823.1 and 4 more transcripts); c.524A>G, p.Tyr175Cys (NM_001385824.1); c.638A>G, p.Tyr213Cys (NM_001385827.1); c.470A>G, p.Tyr157Cys (NM_001385847.1); short protein forms Y175C, Y205C, Y206C, Y213C, Y157C.
Identifiers: ClinVar variation 3021215 (VCV003021215.3), dbSNP rs979417860, ClinGen allele CA294780297.